The following is an entry in ClinVar:

ClinVar aggregate classification (germline): Uncertain significance. Review status: criteria provided, multiple submitters, no conflicts (2 of 4 stars). 2 submissions from 2 submitters: Uncertain significance (2). Last evaluated 2023-11-12.

Conditions:
Ehlers-Danlos syndrome, classic type, 1 (EDSCL1). Also called: EHLERS-DANLOS SYNDROME, GRAVIS TYPE; EHLERS-DANLOS SYNDROME, SEVERE CLASSIC TYPE; Ehlers-Danlos syndrome, type 1; Ehlers-Danlos Syndrome, Classic Type, COL5A1-Related; EDS I. Identifiers: MedGen C0268335, MONDO:0019567, OMIM 130000.

Submissions (2):

GeneDx
Classification: Uncertain significance. Last evaluated: 2023-11-12. Review status: criteria provided, single submitter. Criteria: GeneDx Variant Classification Process June 2021. Collection method: clinical testing. Allele origin: germline. Affected: yes.
Comment: Has not been previously published as pathogenic or benign to our knowledge; Not observed at significant frequency in large population cohorts (gnomAD); In silico analysis supports that this missense variant does not alter protein structure/function

Labcorp Genetics (formerly Invitae), Labcorp
Classification: Uncertain significance for Ehlers-Danlos syndrome, classic type, 1. Last evaluated: 2023-10-04. Review status: criteria provided, single submitter. Criteria: Invitae Variant Classification Sherloc (09022015). Collection method: clinical testing. Allele origin: germline.
Comment: This sequence change replaces threonine, which is neutral and polar, with proline, which is neutral and non-polar, at codon 812 of the COL5A2 protein (p.Thr812Pro). This variant is not present in population databases (gnomAD no frequency). This variant has not been reported in the literature in individuals affected with COL5A2-related conditions. Advanced modeling of protein sequence and biophysical properties (such as structural, functional, and spatial information, amino acid conservation, physicochemical variation, residue mobility, and thermodynamic stability) performed at Invitae indicates that this missense variant is not expected to disrupt COL5A2 protein function. In summary, the available evidence is currently insufficient to determine the role of this variant in disease. Therefore, it has been classified as a Variant of Uncertain Significance.

NM_000393.5(COL5A2):c.2434A>C (p.Thr812Pro)

Gene: COL5A2 (collagen type V alpha 2 chain; minus strand). Cytogenetic location: 2q32.2.
Variant type: single nucleotide variant.
Coding change: c.2434A>C on transcript NM_000393.5 (MANE Select); coding-DNA position 2434, A replaced by C.
Protein change: p.Thr812Pro; replaces threonine 812 with proline.
Molecular consequence: missense variant.
Genome position (GRCh38, 1-based): chr2:189,054,170, T>G on the plus strand (A>C on the coding strand, the complement: COL5A2 is on the minus strand). VCF-style: chr2-189054170-T-G. GRCh37 (hg19) VCF-style: chr2-189918896-T-G.
Other names: c.2434A>C (NM_000393.3); short protein forms T812P.
Identifiers: ClinVar variation 2764943 (VCV002764943.4), dbSNP rs2469266912, ClinGen allele CA349872485.